The following is an entry in ClinVar:

ClinVar aggregate classification (germline): Uncertain significance (1 of 4 stars; one submission).

Submission:

Labcorp Genetics (formerly Invitae), Labcorp
Classification: Uncertain significance. Last evaluated: 2023-10-16. Review status: criteria provided, single submitter. Criteria: Invitae Variant Classification Sherloc (09022015). Collection method: clinical testing. Allele origin: germline.
Comment: This sequence change replaces serine, which is neutral and polar, with alanine, which is neutral and non-polar, at codon 549 of the POLE protein (p.Ser549Ala). This variant is not present in population databases (gnomAD no frequency). This variant has not been reported in the literature in individuals affected with POLE-related conditions. Advanced modeling of protein sequence and biophysical properties (such as structural, functional, and spatial information, amino acid conservation, physicochemical variation, residue mobility, and thermodynamic stability) performed at Invitae indicates that this missense variant is not expected to disrupt POLE protein function with a negative predictive value of 80%. In summary, the available evidence is currently insufficient to determine the role of this variant in disease. Therefore, it has been classified as a Variant of Uncertain Significance.

NM_006231.4(POLE):c.1645T>G (p.Ser549Ala)

Gene: POLE (DNA polymerase epsilon, catalytic subunit; minus strand). Cytogenetic location: 12q24.33.
Variant type: single nucleotide variant.
Coding change: c.1645T>G on transcript NM_006231.4 (MANE Select); coding-DNA position 1645, T replaced by G.
Protein change: p.Ser549Ala; replaces serine 549 with alanine.
Molecular consequence: missense variant.
Genome position (GRCh38, 1-based): chr12:132,672,668, A>C on the plus strand (T>G on the coding strand, the complement: POLE is on the minus strand). VCF-style: chr12-132672668-A-C. GRCh37 (hg19) VCF-style: chr12-133249254-A-C.
Other names: short protein forms S549A.
Identifiers: ClinVar variation 2904169 (VCV002904169.3), dbSNP rs115558715, ClinGen allele CA246293526.
Genomic context (GRCh38, chr12:132,672,668, plus strand): 5'-TCCCAGGGAAGAAGCACACCATCCTAAACCGGCAAGGGATATCGCTGCGGAAAACCCCAG[A>C]CTCGAGGGCCTCCACGTGGCCCCCGACGTAGGTCTCAGAGTCCAGCACGTGTCCGTCGTC-3'
Protein context (NP_006222.2, residues 539-559): YVGGHVEALE[Ser549Ala]GVFRSDIPCR